The following is an entry in ClinVar:

NM_001367624.2(ZNF469):c.4384G>A (p.Asp1462Asn)

Gene: ZNF469 (zinc finger protein 469; plus strand). Cytogenetic location: 16q24.2.
Variant type: single nucleotide variant.
Coding change: c.4384G>A on transcript NM_001367624.2 (MANE Select); coding-DNA position 4384, G replaced by A.
Protein change: p.Asp1462Asn; replaces aspartic acid 1462 with asparagine.
Molecular consequence: missense variant.
Genome position (GRCh38, 1-based): chr16:88,431,854, G>A. VCF-style: chr16-88431854-G-A. GRCh37 (hg19) VCF-style: chr16-88498262-G-A.
Other names: NM_001127464.1:c.4300G>A; NM_001127464.2:c.4300G>A; short protein forms D1462N.
Identifiers: ClinVar variation 1739558 (VCV001739558.3), dbSNP rs577890057, ClinGen allele CA8224946.

ClinVar aggregate classification (germline): Uncertain significance. Review status: criteria provided, multiple submitters, no conflicts (2 of 4 stars). 2 submissions from 2 submitters: Uncertain significance (2). Last evaluated 2024-10-30.

Conditions:
ZNF469-related disorder. Also called: ZNF469-related condition.
Cardiovascular phenotype. Identifiers: MedGen CN230736.

Allele frequency attached by ClinVar (database versions not stated): gnomAD exomes 0.00004; ExAC 0.00005; gnomAD 0.00005; TOPMed 0.00005; 1000 Genomes Project 30x 0.00016; 1000 Genomes Project 0.00020.
gnomAD v4.1: 62 of 1,550,066 alleles (0.004%); highest among the groups gnomAD compares: East Asian, 0.14%; no homozygotes.

Submissions (2):

PreventionGenetics, part of Exact Sciences
Classification: Uncertain significance for ZNF469-related condition. Last evaluated: 2024-10-30. Review status: criteria provided, single submitter. Criteria: ACMG Guidelines, 2015. Collection method: clinical testing. Allele origin: germline.
Comment: The ZNF469 c.4300G>A variant is predicted to result in the amino acid substitution p.Asp1434Asn. This variant has been reported in the heterozygous state in individuals with keratoconus (Yu et al. 2017. PubMed ID: 28484309; reported as D1462N, Lin. 2024. PubMed ID: 38439828). This variant has also been reported in a cohort study of corneal dystrophy (Table S1, Li et al. 2021. PubMed ID: 33816482). This variant is present in 0.048% of alleles in individuals of East Asian descent in gnomAD. At this time, the clinical significance of this variant is uncertain due to the absence of conclusive functional and genetic evidence.

Ambry Genetics
Classification: Uncertain significance for Cardiovascular phenotype. Last evaluated: 2021-06-24. Review status: criteria provided, single submitter. Criteria: Ambry Variant Classification Scheme 2023. Collection method: clinical testing. Allele origin: germline.
Comment: The p.D1434N variant (also known as c.4300G>A), located in coding exon 2 of the ZNF469 gene, results from a G to A substitution at nucleotide position 4300. The aspartic acid at codon 1434 is replaced by asparagine, an amino acid with highly similar properties. This alteration was reported in a keratoconus cohort (Yu X et al. Mol Vis, 2017 Apr;23:296-305). This amino acid position is not well conserved in available vertebrate species. In addition, this alteration is predicted to be tolerated by in silico analysis. Since supporting evidence is limited at this time, the clinical significance of this alteration remains unclear.

Literature cited by the submitters: PubMed 28484309 (cited by Ambry Genetics).